The following is an entry in ClinVar:

NM_004752.4(GCM2):c.187G>A (p.Gly63Ser)

Gene: GCM2 (glial cells missing transcription factor 2; minus strand). Cytogenetic location: 6p24.2.
Variant type: single nucleotide variant.
Coding change: c.187G>A on transcript NM_004752.4 (MANE Select); coding-DNA position 187, G replaced by A.
Protein change: p.Gly63Ser; replaces glycine 63 with serine.
Molecular consequence: missense variant.
Genome position (GRCh38, 1-based): chr6:10,877,296, C>T on the plus strand (G>A on the coding strand, the complement: GCM2 is on the minus strand). VCF-style: chr6-10877296-C-T. GRCh37 (hg19) VCF-style: chr6-10877529-C-T.
Other names: short protein forms G63S.
Identifiers: ClinVar variation 6092 (VCV000006092.6), dbSNP rs104893960, ClinGen allele CA117937.

ClinVar aggregate classification (germline): Conflicting classifications of pathogenicity. Review status: criteria provided, conflicting classifications (1 of 4 stars). 4 submissions from 4 submitters: Likely pathogenic (1); Uncertain significance (2). 1 of the submissions does not count toward it. Last evaluated 2025-11-09.

Conditions:
Hypoparathyroidism, familial isolated, 2. Identifiers: MedGen C5394383, MONDO:0020798, OMIM 618883.
Hyperparathyroidism 4 (HRPT4). Identifiers: MedGen C4479229, MONDO:0024570, OMIM 617343.

Allele frequency attached by ClinVar (database versions not stated): gnomAD exomes below 0.00001; ExAC 0.00001; gnomAD 0.00002; TOPMed 0.00004.
gnomAD v4.1: 9 of 1,614,066 alleles (0.00056%); highest among the groups gnomAD compares: African/African-American, 0.0053%; no homozygotes.

Submissions (4):

Labcorp Genetics (formerly Invitae), Labcorp
Classification: Uncertain significance. Last evaluated: 2025-11-09. Review status: criteria provided, single submitter. Criteria: Invitae Variant Classification Sherloc (09022015). Collection method: clinical testing. Allele origin: germline.
Comment: This sequence change replaces glycine, which is neutral and non-polar, with serine, which is neutral and polar, at codon 63 of the GCM2 protein (p.Gly63Ser). This variant is present in population databases (rs104893960, gnomAD 0.004%). This missense change has been observed in individual(s) with hypoparathyroidism (PMID: 15728199). It has also been observed to segregate with disease in related individuals. ClinVar contains an entry for this variant (Variation ID: 6092). Invitae Evidence Modeling of protein sequence and biophysical properties (such as structural, functional, and spatial information, amino acid conservation, physicochemical variation, residue mobility, and thermodynamic stability) indicates that this missense variant is expected to disrupt GCM2 protein function with a positive predictive value of 80%. Experimental studies have shown that this missense change affects GCM2 function (PMID: 15728199, 18583467, 18712808, 25279501). In summary, the available evidence is currently insufficient to determine the role of this variant in disease. Therefore, it has been classified as a Variant of Uncertain Significance.

Department of Pathology and Laboratory Medicine, Sinai Health System
Classification: Uncertain significance for Hyperparathyroidism 4. Last evaluated: 2022-11-08. Review status: criteria provided, single submitter. Criteria: ACMG Guidelines, 2015. Collection method: research. Allele origin: germline.

Fulgent Genetics
Classification: Likely pathogenic for Hyperparathyroidism 4; Hypoparathyroidism, familial isolated, 2. Last evaluated: 2021-07-09. Review status: criteria provided, single submitter. Criteria: ACMG Guidelines, 2015. Collection method: clinical testing. Allele origin: unknown.

OMIM
Classification: Pathogenic for HYPOPARATHYROIDISM, FAMILIAL ISOLATED, 2. Last evaluated: 2005-05-01. Review status: no assertion criteria provided. Collection method: literature only. Allele origin: germline. Not counted in ClinVar's aggregate classification.

Literature cited by the submitters: PubMed 15728199 (cited by Labcorp Genetics (formerly Invitae), Labcorp and OMIM); PubMed 18583467 (cited by Labcorp Genetics (formerly Invitae), Labcorp); PubMed 18712808 (cited by Labcorp Genetics (formerly Invitae), Labcorp); PubMed 25279501 (cited by Labcorp Genetics (formerly Invitae), Labcorp).